The following is an entry in ClinVar:

ClinVar aggregate classification (germline): Likely benign. Review status: criteria provided, single submitter (1 of 4 stars). 2 submissions from 2 submitters: Likely benign (1). 1 of the submissions does not count toward it. Last evaluated 2024-01-25.

Conditions:
HPS5-related disorder. Also called: HPS5-related condition.

Allele frequency attached by ClinVar (database versions not stated): gnomAD exomes below 0.00001; TOPMed below 0.00001.
gnomAD v4.1: 6 of 1,614,156 alleles (0.00037%); highest among the groups gnomAD compares: South Asian, 0.0011%; no homozygotes.

Submissions (2):

Labcorp Genetics (formerly Invitae), Labcorp
Classification: Likely benign. Last evaluated: 2024-01-25. Review status: criteria provided, single submitter. Criteria: Invitae Variant Classification Sherloc (09022015). Collection method: clinical testing. Allele origin: germline.

PreventionGenetics, part of Exact Sciences
Classification: Likely benign for HPS5-related condition. Last evaluated: 2019-02-27. Review status: no assertion criteria provided. Collection method: clinical testing. Allele origin: germline. Not counted in ClinVar's aggregate classification.
Comment: This variant is classified as likely benign based on ACMG/AMP sequence variant interpretation guidelines (Richards et al. 2015 PMID: 25741868, with internal and published modifications).

NM_181507.2(HPS5):c.321G>A (p.Glu107=)

Genes: HPS5 (HPS5 biogenesis of lysosomal organelles complex 2 subunit 2; minus strand), LOC130005404 (ATAC-STARR-seq lymphoblastoid active region 4495; plus strand). Cytogenetic location: 11p15.1.
Variant type: single nucleotide variant.
Coding change: c.321G>A on transcript NM_181507.2 (MANE Select); coding-DNA position 321, G replaced by A.
Protein change: p.Glu107=; no amino-acid change (glutamic acid 107 retained).
Molecular consequence: synonymous variant. On other transcripts: 5 prime UTR variant (1).
Genome position (GRCh38, 1-based): chr11:18,310,897, C>T on the plus strand (G>A on the coding strand, the complement: HPS5 is on the minus strand). VCF-style: chr11-18310897-C-T. GRCh37 (hg19) VCF-style: chr11-18332444-C-T.
Other names: c.-22G>A (NM_007216.4, NM_181508.2).
Identifiers: ClinVar variation 2888367 (VCV002888367.4), dbSNP rs977482750, ClinGen allele CA218555183.